The following is an entry in ClinVar:

NM_000352.6(ABCC8):c.1924-10C>T

Gene: ABCC8 (ATP binding cassette subfamily C member 8; minus strand). Cytogenetic location: 11p15.1.
Variant type: single nucleotide variant.
Coding change: c.1924-10C>T on transcript NM_000352.6 (MANE Select); 10 bases into the intron before coding-DNA position 1924, C replaced by T.
Molecular consequence: intron variant. On other transcripts: synonymous variant (1).
Genome position (GRCh38, 1-based): chr11:17,428,415, G>A on the plus strand (C>T on the coding strand, the complement: ABCC8 is on the minus strand). VCF-style: chr11-17428415-G-A. GRCh37 (hg19) VCF-style: chr11-17449962-G-A.
Other names: c.1980C>T, p.Asn660= (NM_001351295.2); c.1921-10C>T (NM_001351297.2, NM_001351296.2); c.1924-10C>T (NM_001287174.3).
Identifiers: ClinVar variation 446766 (VCV000446766.14), dbSNP rs200823913, ClinGen allele CA5903378.

ClinVar aggregate classification (germline): Conflicting classifications of pathogenicity. Review status: criteria provided, conflicting classifications (1 of 4 stars). 6 submissions from 5 submitters: Uncertain significance (3); Likely benign (2). 1 of the submissions does not count toward it. Last evaluated 2024-12-11.

Conditions:
Transitory neonatal diabetes mellitus. Also called: Transient neonatal diabetes mellitus. Identifiers: MedGen C0342273, MONDO:0020525, HP:0008255.
Maturity-onset diabetes of the young (MODY). Also called: Maturity onset diabetes mellitus in young. Identifiers: Orphanet 552, MedGen C0342276, MONDO:0018911, HP:0004904.
Hereditary hyperinsulinism.

Allele frequency attached by ClinVar (database versions not stated): ExAC 0.00003; gnomAD 0.00003 and 0.00004; gnomAD exomes 0.00003; TOPMed 0.00003.
gnomAD v4.1: 24 of 1,611,470 alleles (0.0015%); highest among the groups gnomAD compares: Admixed American, 0.01%; no homozygotes.

Submissions (6):

Women's Health and Genetics/Laboratory Corporation of America, LabCorp
Classification: Likely benign. Last evaluated: 2024-12-11. Review status: criteria provided, single submitter. Criteria: LabCorp Variant Classification Summary - May 2015. Collection method: clinical testing. Allele origin: germline.

Labcorp Genetics (formerly Invitae), Labcorp
Classification: Likely benign. Last evaluated: 2024-02-07. Review status: criteria provided, single submitter. Criteria: Invitae Variant Classification Sherloc (09022015). Collection method: clinical testing. Allele origin: germline.

Athena Diagnostics
Classification: Uncertain significance. Last evaluated: 2016-08-09. Review status: criteria provided, single submitter. Criteria: Athena Diagnostics Criteria. Collection method: clinical testing. Allele origin: germline.

Clinical Genomics, Uppaluri K&H Personalized Medicine Clinic
Classification: Uncertain significance for Maturity-onset diabetes of the young. Review status: criteria provided, single submitter. Criteria: K & H Uppaluri Personalized Medicine Clinic Variant Classification & Assertion Criteria_Updated V.1. Collection method: research. Allele origin: unknown. Inheritance: Somatic mutation.
Comment: Mutations in ABCC8 gene are associated with both neonatal diabetes mellitus as well as MODY. Patients with this mutation may have a better response to sulfonylureas. However, no sufficient evidence is found to ascertain the role of this particular variant ( rs200823913) in MODY yet.

Clinical Genomics, Uppaluri K&H Personalized Medicine Clinic
Classification: Uncertain significance for Transitory neonatal diabetes mellitus. Review status: criteria provided, single submitter. Criteria: K & H Uppaluri Personalized Medicine Clinic Variant Classification & Assertion Criteria_Updated V.1. Collection method: research. Allele origin: unknown. Inheritance: Somatic mutation.
Comment: Mutations in ABCC8 gene are associated with both neonatal diabetes mellitus as well as MODY. Patients with this mutation may have a better response to sulfonylureas. However, no sufficient evidence is found to ascertain the role of this particular variant ( rs200823913) in neonatal diabetes yet.

Natera, Inc.
Classification: Uncertain significance for Hereditary hyperinsulinism. Last evaluated: 2020-04-10. Review status: no assertion criteria provided. Collection method: clinical testing. Allele origin: germline. Not counted in ClinVar's aggregate classification.

Literature cited by the submitters: PubMed 16885549 (cited by Clinical Genomics, Uppaluri K&H Personalized Medicine Clinic); PubMed 21989597 (cited by Clinical Genomics, Uppaluri K&H Personalized Medicine Clinic); PubMed 27538677 (cited by Clinical Genomics, Uppaluri K&H Personalized Medicine Clinic); PubMed 18981553 (cited by Clinical Genomics, Uppaluri K&H Personalized Medicine Clinic); PubMed 32027066 (cited by Clinical Genomics, Uppaluri K&H Personalized Medicine Clinic); PubMed 16613899 (cited by Clinical Genomics, Uppaluri K&H Personalized Medicine Clinic); PubMed 18025408 (cited by Clinical Genomics, Uppaluri K&H Personalized Medicine Clinic); PubMed 32792356 (cited by Clinical Genomics, Uppaluri K&H Personalized Medicine Clinic).